The following is an entry in ClinVar:

NM_002972.4(SBF1):c.462C>T (p.Ala154=)

Gene: SBF1 (SET binding factor 1; minus strand). Cytogenetic location: 22q13.33.
Variant type: single nucleotide variant.
Coding change: c.462C>T on transcript NM_002972.4 (MANE Select); coding-DNA position 462, C replaced by T.
Protein change: p.Ala154=; no amino-acid change (alanine 154 retained).
Molecular consequence: synonymous variant.
Genome position (GRCh38, 1-based): chr22:50,467,425, G>A on the plus strand (C>T on the coding strand, the complement: SBF1 is on the minus strand). VCF-style: chr22-50467425-G-A. GRCh37 (hg19) VCF-style: chr22-50905854-G-A.
Other names: c.465C>T, p.Ala155= (NM_001365819.1, NM_001410794.1); c.462C>T, p.Ala154= (NM_001410795.1).
Identifiers: ClinVar variation 4535193 (VCV004535193.7).

ClinVar aggregate classification (germline): Likely benign. Review status: criteria provided, multiple submitters, no conflicts (2 of 4 stars). 2 submissions from 2 submitters: Likely benign (2). Last evaluated 2025-12-08.

gnomAD v4.1: 10 of 1,614,076 alleles (0.00062%); highest among the groups gnomAD compares: Admixed American, 0.0083%; no homozygotes.

Submissions (2):

Labcorp Genetics (formerly Invitae), Labcorp
Classification: Likely benign. Last evaluated: 2025-12-08. Review status: criteria provided, single submitter. Criteria: Invitae Variant Classification Sherloc (09022015). Collection method: clinical testing. Allele origin: germline.

CeGaT Center for Human Genetics Tuebingen
Classification: Likely benign. Last evaluated: 2025-11-01. Review status: criteria provided, single submitter. Criteria: CeGaT Center For Human Genetics Tuebingen Variant Classification Criteria Version 2. Collection method: clinical testing. Allele origin: germline. Affected: yes. Observed: 1 variant allele.
Comment: SBF1: BP4, BP7